The following is an entry in ClinVar:

NM_004183.4(BEST1):c.1739+139G>A

Gene: BEST1 (bestrophin 1; plus strand). Cytogenetic location: 11q12.3.
Variant type: single nucleotide variant.
Coding change: c.1739+139G>A on transcript NM_004183.4 (MANE Select); 139 bases into the intron after coding-DNA position 1739, G replaced by A.
Molecular consequence: intron variant. On other transcripts: synonymous variant (3).
Genome position (GRCh38, 1-based): chr11:61,963,032, G>A. VCF-style: chr11-61963032-G-A. GRCh37 (hg19) VCF-style: chr11-61730504-G-A.
Other names: c.1698G>A, p.Leu566= (NM_001139443.3); c.1560G>A, p.Leu520= (NM_001363591.3); c.*773G>A (NM_001363592.2); c.906G>A, p.Leu302= (NM_001363593.3); c.1559+139G>A (NM_001300787.2); c.1478+139G>A (NM_001300786.2).
Identifiers: ClinVar variation 3341764 (VCV003341764.16).

ClinVar aggregate classification (germline): Likely benign (1 of 4 stars; one submission).

gnomAD v4.1: 3 of 1,553,916 alleles (0.00019%); highest among the groups gnomAD compares: Non-Finnish European, 0.00026%; no homozygotes.

Submission:

CeGaT Center for Human Genetics Tuebingen
Classification: Likely benign. Last evaluated: 2024-08-01. Review status: criteria provided, single submitter. Criteria: CeGaT Center For Human Genetics Tuebingen Variant Classification Criteria Version 2. Collection method: clinical testing. Allele origin: germline. Affected: yes. Observed: 1 variant allele.
Comment: BEST1: BP4, BP7